The following is an entry in ClinVar:

NM_012330.4(KAT6B):c.2744A>C (p.Tyr915Ser)

Gene: KAT6B (lysine acetyltransferase 6B; plus strand). Cytogenetic location: 10q22.2.
Variant type: single nucleotide variant.
Coding change: c.2744A>C on transcript NM_012330.4 (MANE Select); coding-DNA position 2744, A replaced by C.
Protein change: p.Tyr915Ser; replaces tyrosine 915 with serine.
Molecular consequence: missense variant.
Genome position (GRCh38, 1-based): chr10:75,020,696, A>C. VCF-style: chr10-75020696-A-C. GRCh37 (hg19) VCF-style: chr10-76780454-A-C.
Other names: c.2195A>C, p.Tyr732Ser (NM_001256468.2, NM_001370138.1); c.1868A>C, p.Tyr623Ser (NM_001256469.2, NM_001370139.1, NM_001370140.1 and 2 more transcripts); c.1706A>C, p.Tyr569Ser (NM_001370132.1); c.1055A>C, p.Tyr352Ser (NM_001370133.1); c.659A>C, p.Tyr220Ser (NM_001370134.1); c.401A>C, p.Tyr134Ser (NM_001370135.1); c.2744A>C, p.Tyr915Ser (NM_001370136.1, NM_001370137.1); c.1679A>C, p.Tyr560Ser (NM_001370143.1, NM_001370144.1); short protein forms Y569S, Y623S, Y915S, Y134S, Y220S, Y560S, Y352S, Y732S.
Identifiers: ClinVar variation 2884313 (VCV002884313.3), dbSNP rs772829576, ClinGen allele CA377280906.

ClinVar aggregate classification (germline): Uncertain significance (1 of 4 stars; one submission).

Conditions:
Genitopatellar syndrome (GTPTS). Also called: Genitopatellar syndrome (GPS); ABSENT PATELLAE, SCROTAL HYPOPLASIA, RENAL ANOMALIES, FACIAL DYSMORPHISM, AND MENTAL RETARDATION. Identifiers: Orphanet 85201, MedGen C1853566, MONDO:0011640, OMIM 606170.

gnomAD v4.1: 2 of 1,613,470 alleles (0.00012%); highest among the groups gnomAD compares: Non-Finnish European, 0.00017%; no homozygotes.

Submission:

Labcorp Genetics (formerly Invitae), Labcorp
Classification: Uncertain significance for Genitopatellar syndrome. Last evaluated: 2025-08-18. Review status: criteria provided, single submitter. Criteria: Invitae Variant Classification Sherloc (09022015). Collection method: clinical testing. Allele origin: germline.
Comment: This sequence change replaces tyrosine, which is neutral and polar, with serine, which is neutral and polar, at codon 915 of the KAT6B protein (p.Tyr915Ser). This variant is not present in population databases (gnomAD no frequency). This variant has not been reported in the literature in individuals affected with KAT6B-related conditions. ClinVar contains an entry for this variant (Variation ID: 2884313). Invitae Evidence Modeling of protein sequence and biophysical properties (such as structural, functional, and spatial information, amino acid conservation, physicochemical variation, residue mobility, and thermodynamic stability) indicates that this missense variant is not expected to disrupt KAT6B protein function with a negative predictive value of 80%. In summary, the available evidence is currently insufficient to determine the role of this variant in disease. Therefore, it has been classified as a Variant of Uncertain Significance.